The following is an entry in ClinVar:

NM_006160.4(NEUROD2):c.334A>G (p.Thr112Ala)

Gene: NEUROD2 (neuronal differentiation 2; minus strand). Cytogenetic location: 17q12.
Variant type: single nucleotide variant.
Coding change: c.334A>G on transcript NM_006160.4 (MANE Select); coding-DNA position 334, A replaced by G.
Protein change: p.Thr112Ala; replaces threonine 112 with alanine.
Molecular consequence: missense variant.
Genome position (GRCh38, 1-based): chr17:39,606,266, T>C on the plus strand (A>G on the coding strand, the complement: NEUROD2 is on the minus strand). VCF-style: chr17-39606266-T-C. GRCh37 (hg19) VCF-style: chr17-37762519-T-C.
Other names: short protein forms T112A.
Identifiers: ClinVar variation 3767635 (VCV003767635.1).

ClinVar aggregate classification (germline): Uncertain significance (1 of 4 stars; one submission).

Submission:

GeneDx
Classification: Uncertain significance. Last evaluated: 2024-09-06. Review status: criteria provided, single submitter. Criteria: GeneDx Variant Classification Process June 2021. Collection method: clinical testing. Allele origin: germline. Affected: yes.
Comment: Not observed at significant frequency in large population cohorts (gnomAD); In silico analysis supports that this missense variant has a deleterious effect on protein structure/function; Has not been previously published as pathogenic or benign to our knowledge